The following is an entry in ClinVar:

ClinVar aggregate classification (germline): Likely benign (1 of 4 stars; one submission).

Conditions:
ZNF462-related disorder. Also called: ZNF462-related condition; ZNF462 related disease.

gnomAD v4.1: 80 of 1,614,134 alleles (0.005%); highest among the groups gnomAD compares: Admixed American, 0.07%; no homozygotes.

Submission:

PreventionGenetics, part of Exact Sciences
Classification: Likely benign for ZNF462-related condition. Last evaluated: 2025-01-06. Review status: criteria provided, single submitter. Criteria: ACMG Guidelines, 2015. Collection method: clinical testing. Allele origin: germline.
Comment: This variant is classified as likely benign based on ACMG/AMP sequence variant interpretation guidelines (Richards et al. 2015 PMID: 25741868, with internal and published modifications).

NM_021224.6(ZNF462):c.4128C>T (p.Phe1376=)

Gene: ZNF462 (zinc finger protein 462; plus strand). Cytogenetic location: 9q31.2.
Variant type: single nucleotide variant.
Coding change: c.4128C>T on transcript NM_021224.6 (MANE Select); coding-DNA position 4128, C replaced by T.
Protein change: p.Phe1376=; no amino-acid change (phenylalanine 1376 retained).
Molecular consequence: synonymous variant. On other transcripts: intron variant (1).
Genome position (GRCh38, 1-based): chr9:106,928,040, C>T. VCF-style: chr9-106928040-C-T. GRCh37 (hg19) VCF-style: chr9-109690321-C-T.
Other names: c.3252+876C>T (NM_001347997.2).
Identifiers: ClinVar variation 4980351 (VCV004980351.1).